The following is an entry in ClinVar:

ClinVar aggregate classification (germline): Uncertain significance (1 of 4 stars; one submission).

Conditions:
Familial thoracic aortic aneurysm and aortic dissection (TAAD). Also called: Thoracic aortic aneurysms and dissections. Identifiers: Orphanet 91387, MedGen C4707243, MONDO:0019625.

gnomAD v4.1: 1 of 1,590,822 alleles (0.000063%); highest among the groups gnomAD compares: East Asian, 0.0023%; no homozygotes.

Submission:

Ambry Genetics
Classification: Uncertain significance for Familial thoracic aortic aneurysm and aortic dissection. Last evaluated: 2024-10-24. Review status: criteria provided, single submitter. Criteria: Ambry Variant Classification Scheme 2023. Collection method: clinical testing. Allele origin: germline.
Comment: The p.A23V variant (also known as c.68C>T), located in coding exon 1 of the FBN2 gene, results from a C to T substitution at nucleotide position 68. The alanine at codon 23 is replaced by valine, an amino acid with similar properties. This amino acid position is not well conserved in available vertebrate species. In addition, this alteration is predicted to be tolerated by in silico analysis. Based on the available evidence, the clinical significance of this variant remains unclear.

NM_001999.4(FBN2):c.68C>T (p.Ala23Val)

Gene: FBN2 (fibrillin 2; minus strand). Cytogenetic location: 5q23.3.
Variant type: single nucleotide variant.
Coding change: c.68C>T on transcript NM_001999.4 (MANE Select); coding-DNA position 68, C replaced by T.
Protein change: p.Ala23Val; replaces alanine 23 with valine.
Molecular consequence: missense variant.
Genome position (GRCh38, 1-based): chr5:128,537,536, G>A on the plus strand (C>T on the coding strand, the complement: FBN2 is on the minus strand). VCF-style: chr5-128537536-G-A. GRCh37 (hg19) VCF-style: chr5-127873229-G-A.
Other names: short protein forms A23V.
Identifiers: ClinVar variation 3513624 (VCV003513624.1).